The following is an entry in ClinVar:

NM_003179.3(SYP):c.939G>A (p.Met313Ile)

Gene: SYP (synaptophysin; minus strand). Cytogenetic location: Xp11.23.
Variant type: single nucleotide variant.
Coding change: c.939G>A on transcript NM_003179.3 (MANE Select); coding-DNA position 939, G replaced by A.
Protein change: p.Met313Ile; replaces methionine 313 with isoleucine.
Molecular consequence: missense variant.
Genome position (GRCh38, 1-based): chrX:49,191,440, C>T on the plus strand (G>A on the coding strand, the complement: SYP is on the minus strand). VCF-style: chrX-49191440-C-T. GRCh37 (hg19) VCF-style: chrX-49047897-C-T.
Other names: short protein forms M313I.
Identifiers: ClinVar variation 4538934 (VCV004538934.1).

ClinVar aggregate classification (germline): Uncertain significance (1 of 4 stars; one submission).

Submission:

GeneDx
Classification: Uncertain significance. Last evaluated: 2025-06-18. Review status: criteria provided, single submitter. Criteria: GeneDx Variant Classification Process June 2021. Collection method: clinical testing. Allele origin: germline. Affected: yes.
Comment: Not observed at significant frequency in large population cohorts (gnomAD); In silico analysis suggests that this missense variant does not alter protein structure/function; Has not been previously published as pathogenic or benign to our knowledge